The following is an entry in ClinVar:

ClinVar aggregate classification (germline): Uncertain significance (1 of 4 stars; one submission).

Conditions:
TTN-related disorder. Also called: TTN-related disorders; TTN-related condition; TTN-related disease.

gnomAD v4.1: 6 of 1,613,426 alleles (0.00037%); highest among the groups gnomAD compares: Admixed American, 0.0033%; no homozygotes.

Submission:

PreventionGenetics, part of Exact Sciences
Classification: Uncertain significance for TTN-related condition. Last evaluated: 2025-06-10. Review status: criteria provided, single submitter. Criteria: ACMG Guidelines, 2015. Collection method: clinical testing. Allele origin: germline.
Comment: The TTN c.15616G>A variant is predicted to result in the amino acid substitution p.Val5206Ile. This variant is a missense alteration, c.15616G>A (p.Val5206Ile), in an alternate transcript (NM_133379). To our knowledge, this variant has not been reported in the literature. This variant is reported in 0.0029% of alleles in individuals of Latino descent in gnomAD. At this time, the clinical significance of this variant is uncertain due to the absence of conclusive functional and genetic evidence.

NM_001267550.2(TTN):c.11312-4863G>A

Gene: TTN (titin; minus strand). Cytogenetic location: 2q31.2.
Variant type: single nucleotide variant.
Coding change: c.11312-4863G>A on transcript NM_001267550.2 (MANE Select); 4863 bases into the intron before coding-DNA position 11312, G replaced by A.
Molecular consequence: intron variant. On other transcripts: missense variant (1).
Genome position (GRCh38, 1-based): chr2:178,746,784, C>T on the plus strand (G>A on the coding strand, the complement: TTN is on the minus strand). VCF-style: chr2-178746784-C-T. GRCh37 (hg19) VCF-style: chr2-179611511-C-T.
Other names: c.15616G>A, p.Val5206Ile (NM_133379.5); c.10223-4863G>A (NM_003319.4); c.10799-4863G>A (NM_133437.4); c.10598-4863G>A (NM_133432.3); c.10360+6340G>A (NM_133378.4); c.10361-4863G>A (NM_001256850.1); short protein forms V5206I.
Identifiers: ClinVar variation 4990295 (VCV004990295.1).
Genomic context (GRCh38, chr2:178,746,784, plus strand): 5'-CTGGCTCTAGTAAAGATTTATTTCGATACCATTTCACACCAGGAACTGGAAGACCTTCAA[C>T]TTCAACAATGAAGCCTAGTGTTGTGTTTTCATATACCTTCCTTTTGGTCAGAGGTTCAAT-3'